The following is an entry in ClinVar:

ClinVar aggregate classification (germline): Uncertain significance. Review status: criteria provided, multiple submitters, no conflicts (2 of 4 stars). 2 submissions from 2 submitters: Uncertain significance (2). Last evaluated 2025-02-25.

Conditions:
Inborn genetic diseases. Identifiers: MedGen C0950123, MeSH D030342.
Marinesco-Sjögren syndrome (MSS). Also called: Marinesco-Sjogren Syndrome; Marinesco-SjÃ¶gren syndrome. Identifiers: Orphanet 559, MedGen C0024814, MONDO:0009567, OMIM 248800.

Allele frequency attached by ClinVar (database versions not stated): ExAC 0.00001; TOPMed 0.00008.
gnomAD v4.1: 15 of 1,614,042 alleles (0.00093%); highest among the groups gnomAD compares: African/African-American, 0.013%; no homozygotes.

Submissions (2):

Ambry Genetics
Classification: Uncertain significance for Inborn genetic diseases. Last evaluated: 2025-02-25. Review status: criteria provided, single submitter. Criteria: Ambry Variant Classification Scheme 2023. Collection method: clinical testing. Allele origin: germline.

Labcorp Genetics (formerly Invitae), Labcorp
Classification: Uncertain significance for Marinesco-Sjögren syndrome. Last evaluated: 2021-08-30. Review status: criteria provided, single submitter. Criteria: Invitae Variant Classification Sherloc (09022015). Collection method: clinical testing. Allele origin: germline.
Comment: This sequence change replaces arginine with threonine at codon 153 of the SIL1 protein (p.Arg153Thr). The arginine residue is weakly conserved and there is a moderate physicochemical difference between arginine and threonine. This variant is present in population databases (rs761688927, ExAC 0.01%). This variant has not been reported in the literature in individuals affected with SIL1-related conditions. Algorithms developed to predict the effect of missense changes on protein structure and function (SIFT, PolyPhen-2, Align-GVGD) all suggest that this variant is likely to be tolerated. In summary, the available evidence is currently insufficient to determine the role of this variant in disease. Therefore, it has been classified as a Variant of Uncertain Significance.

NM_022464.5(SIL1):c.458G>C (p.Arg153Thr)

Gene: SIL1 (SIL1 nucleotide exchange factor; minus strand). Cytogenetic location: 5q31.2.
Variant type: single nucleotide variant.
Coding change: c.458G>C on transcript NM_022464.5 (MANE Select); coding-DNA position 458, G replaced by C.
Protein change: p.Arg153Thr; replaces arginine 153 with threonine.
Molecular consequence: missense variant.
Genome position (GRCh38, 1-based): chr5:139,026,988, C>G on the plus strand (G>C on the coding strand, the complement: SIL1 is on the minus strand). VCF-style: chr5-139026988-C-G. GRCh37 (hg19) VCF-style: chr5-138362677-C-G.
Other names: c.458G>C, p.Arg153Thr (NM_001037633.2); c.458G>C (NM_022464.4); short protein forms R153T.
Identifiers: ClinVar variation 1010028 (VCV001010028.7), dbSNP rs761688927, ClinGen allele CA3432563.